The following is an entry in ClinVar:

NM_014314.4(RIGI):c.2612A>T (p.His871Leu)

Gene: RIGI (RNA sensor RIG-I; minus strand). Cytogenetic location: 9p21.1.
Variant type: single nucleotide variant.
Coding change: c.2612A>T on transcript NM_014314.4 (MANE Select); coding-DNA position 2612, A replaced by T.
Protein change: p.His871Leu; replaces histidine 871 with leucine.
Molecular consequence: missense variant.
Genome position (GRCh38, 1-based): chr9:32,457,288, T>A on the plus strand (A>T on the coding strand, the complement: RIGI is on the minus strand). VCF-style: chr9-32457288-T-A. GRCh37 (hg19) VCF-style: chr9-32457286-T-A.
Other names: c.2606A>T, p.His869Leu (NM_001385907.1); c.2441A>T, p.His814Leu (NM_001385909.1); c.2171A>T, p.His724Leu (NM_001385910.1); c.2003A>T, p.His668Leu (NM_001385912.1); c.2597A>T, p.His866Leu (NM_001385913.1); c.2168A>T, p.His723Leu (NM_001385914.1); short protein forms H814L, H871L, H723L, H869L, H668L, H866L, H724L.
Identifiers: ClinVar variation 2967069 (VCV002967069.3), dbSNP rs1822950012, ClinGen allele CA373142020.

ClinVar aggregate classification (germline): Uncertain significance (1 of 4 stars; one submission).

Allele frequency attached by ClinVar (database versions not stated): gnomAD 0.00001.
gnomAD v4.1: 1 of 1,614,088 alleles (0.000062%); highest among the groups gnomAD compares: East Asian, 0.0022%; no homozygotes.

Submission:

Labcorp Genetics (formerly Invitae), Labcorp
Classification: Uncertain significance. Last evaluated: 2025-08-29. Review status: criteria provided, single submitter. Criteria: Invitae Variant Classification Sherloc (09022015). Collection method: clinical testing. Allele origin: germline.
Comment: This sequence change replaces histidine, which is basic and polar, with leucine, which is neutral and non-polar, at codon 871 of the DDX58 protein (p.His871Leu). This variant is not present in population databases (gnomAD no frequency). This variant has not been reported in the literature in individuals affected with DDX58-related conditions. ClinVar contains an entry for this variant (Variation ID: 2967069). Invitae Evidence Modeling of protein sequence and biophysical properties (such as structural, functional, and spatial information, amino acid conservation, physicochemical variation, residue mobility, and thermodynamic stability) indicates that this missense variant is not expected to disrupt DDX58 protein function with a negative predictive value of 80%. In summary, the available evidence is currently insufficient to determine the role of this variant in disease. Therefore, it has been classified as a Variant of Uncertain Significance.